The following is an entry in ClinVar:

ClinVar aggregate classification (germline): Conflicting classifications of pathogenicity. Review status: criteria provided, conflicting classifications (1 of 4 stars). 4 submissions from 4 submitters: Uncertain significance (2); Benign (1). 1 of the submissions does not count toward it. Last evaluated 2024-11-13.

Conditions:
IFIH1-related disorder. Also called: IFIH1-related condition.
Singleton-Merten syndrome 1 (SGMRT1). Also called: Widened medullary cavities of bone, aortic calcification, abnormal dentition, and muscular weakness; Syndrome of widened medullary cavities of the metacarpals and phalanges, aortic calcification and abnormal dentition. Identifiers: Orphanet 85191, MedGen C4225427, MONDO:0024535, OMIM 182250.
Aicardi-Goutieres syndrome 7 (AGS7). Identifiers: Orphanet 51, MedGen C3888244, MONDO:0014367, OMIM 615846.

Allele frequency attached by ClinVar (database versions not stated): gnomAD exomes below 0.00001 and 0.00001; TOPMed below 0.00001; ExAC 0.00001; gnomAD 0.00001.

Submissions (4):

Blueprint Genetics
Classification: Uncertain significance. Last evaluated: 2024-11-13. Review status: criteria provided, single submitter. Criteria: ACMG Guidelines, 2015. Collection method: clinical testing. Allele origin: germline.

Labcorp Genetics (formerly Invitae), Labcorp
Classification: Benign for Aicardi-Goutieres syndrome 7; Singleton-Merten syndrome 1. Last evaluated: 2024-04-22. Review status: criteria provided, single submitter. Criteria: Invitae Variant Classification Sherloc (09022015). Collection method: clinical testing. Allele origin: germline.

CeGaT Center for Human Genetics Tuebingen
Classification: Uncertain significance. Last evaluated: 2022-03-01. Review status: criteria provided, single submitter. Criteria: CeGaT Center For Human Genetics Tuebingen Variant Classification Criteria Version 2. Collection method: clinical testing. Allele origin: germline. Affected: yes. Observed: 1 variant allele.
Comment: IFIH1: PM2, PP4

PreventionGenetics, part of Exact Sciences
Classification: Uncertain significance for IFIH1-related condition. Last evaluated: 2023-10-28. Review status: no assertion criteria provided. Collection method: clinical testing. Allele origin: germline. Not counted in ClinVar's aggregate classification.
Comment: The IFIH1 c.919C>T variant is predicted to result in premature protein termination (p.Gln307*). To our knowledge, this variant has not been reported in the literature. This variant is reported in 0.00088% of alleles in individuals of European (Non-Finnish) descent in gnomAD. At this time, the clinical significance of this variant is uncertain due to the absence of conclusive functional and genetic evidence.

NM_022168.4(IFIH1):c.919C>T (p.Gln307Ter)

Gene: IFIH1 (interferon induced with helicase C domain 1; minus strand). Cytogenetic location: 2q24.2.
Variant type: single nucleotide variant.
Coding change: c.919C>T on transcript NM_022168.4 (MANE Select); coding-DNA position 919, C replaced by T.
Protein change: p.Gln307Ter; replaces glutamine 307 with a stop codon.
Molecular consequence: nonsense.
Genome position (GRCh38, 1-based): chr2:162,288,311, G>A on the plus strand (C>T on the coding strand, the complement: IFIH1 is on the minus strand). VCF-style: chr2-162288311-G-A. GRCh37 (hg19) VCF-style: chr2-163144821-G-A.
Other names: short protein forms Q307*.
Identifiers: ClinVar variation 970300 (VCV000970300.42), dbSNP rs762821474, ClinGen allele CA1934660.